The following is an entry in ClinVar:

NM_002968.3(SALL1):c.3787A>G (p.Ile1263Val)

Gene: SALL1 (spalt like transcription factor 1; minus strand). Cytogenetic location: 16q12.1.
Variant type: single nucleotide variant.
Coding change: c.3787A>G on transcript NM_002968.3 (MANE Select); coding-DNA position 3787, A replaced by G.
Protein change: p.Ile1263Val; replaces isoleucine 1263 with valine.
Molecular consequence: missense variant.
Genome position (GRCh38, 1-based): chr16:51,137,300, T>C on the plus strand (A>G on the coding strand, the complement: SALL1 is on the minus strand). VCF-style: chr16-51137300-T-C. GRCh37 (hg19) VCF-style: chr16-51171211-T-C.
Other names: c.3496A>G, p.Ile1166Val (NM_001127892.2); short protein forms I1166V, I1263V.
Identifiers: ClinVar variation 932004 (VCV000932004.4), dbSNP rs1962322854, ClinGen allele CA395877959.

ClinVar aggregate classification (germline): Uncertain significance. Review status: criteria provided, multiple submitters, no conflicts (2 of 4 stars). 2 submissions from 2 submitters: Uncertain significance (2). Last evaluated 2021-08-27.

Conditions:
Townes-Brocks syndrome 1 (TBS1). Also called: REAR SYNDROME; RENAL-EAR-ANAL-RADIAL SYNDROME; DEAFNESS, SENSORINEURAL, WITH IMPERFORATE ANUS AND THUMB ANOMALIES; SALL1-Related Townes-Brocks Syndrome. Identifiers: Orphanet 857, MedGen C4551481, MONDO:0054581, OMIM 107480.

Allele frequency attached by ClinVar (database versions not stated): gnomAD exomes below 0.00001.

Submissions (2):

Fulgent Genetics
Classification: Uncertain significance for Townes-Brocks syndrome 1. Last evaluated: 2021-08-27. Review status: criteria provided, single submitter. Criteria: ACMG Guidelines, 2015. Collection method: clinical testing. Allele origin: unknown.

Centre for Mendelian Genomics, University Medical Centre Ljubljana
Classification: Uncertain significance for Townes-Brocks syndrome 1. Last evaluated: 2019-01-09. Review status: criteria provided, single submitter. Criteria: ACMG Guidelines, 2015. Collection method: clinical testing. Allele origin: unknown. Affected: yes.
Comment: This variant was classified as: Uncertain significance. The available evidence on this variant's pathogenicity is insufficient or conflicting. The following ACMG criteria were applied in classifying this variant: PM2,PP3.